The following is an entry in ClinVar:

ClinVar aggregate classification (germline): Likely pathogenic (1 of 4 stars; one submission).

Conditions:
Werner syndrome (WRN). Identifiers: Orphanet 902, MedGen C0043119, MONDO:0010196, OMIM 277700.

Submission:

Labcorp Genetics (formerly Invitae), Labcorp
Classification: Likely pathogenic for Werner syndrome. Last evaluated: 2021-01-15. Review status: criteria provided, single submitter. Criteria: Invitae Variant Classification Sherloc (09022015). Collection method: clinical testing. Allele origin: unknown.
Comment: In summary, the currently available evidence indicates that the variant is pathogenic, but additional data are needed to prove that conclusively. Therefore, this variant has been classified as Likely Pathogenic. Loss-of-function variants in WRN are known to be pathogenic (PMID: 16673358). This variant has not been reported in the literature in individuals with WRN-related conditions. This variant results in the deletion of part of exon 32 (c.3799_3820-898del) of the WRN gene. It is expected to disrupt RNA splicing and likely results in an absent or disrupted protein product.

Literature cited by the submitters: PubMed 16673358.

NC_000008.10:g.(?_31012248)_(31013983_?)del

Gene: WRN (WRN RecQ like helicase; plus strand). Cytogenetic location: 8p12.
Variant type: Deletion.
Identifiers: ClinVar variation 3245424 (VCV003245424.1).